The following is an entry in ClinVar:

ClinVar aggregate classification (germline): Likely benign. Review status: criteria provided, multiple submitters, no conflicts (2 of 4 stars). 2 submissions from 2 submitters: Likely benign (2). Last evaluated 2026-03-01.

Conditions:
Saldino-Mainzer syndrome (SRTD9). Also called: Renal dysplasia, retinal pigmentary dystrophy, cerebellar ataxia and skeletal dysplasia; short-rib thoracic dysplasia 9 with or without polydactyly; CONORENAL SYNDROME; SHORT-RIB THORACIC DYSPLASIA 9 WITHOUT POLYDACTYLY. Identifiers: Orphanet 140969, MedGen C1849437, MONDO:0009964, OMIM 266920.

gnomAD v4.1: 4 of 1,613,894 alleles (0.00025%); highest among the groups gnomAD compares: South Asian, 0.0022%; no homozygotes.

Submissions (2):

CeGaT Center for Human Genetics Tuebingen
Classification: Likely benign. Last evaluated: 2026-03-01. Review status: criteria provided, single submitter. Criteria: CeGaT Center For Human Genetics Tuebingen Variant Classification Criteria Version 2. Collection method: clinical testing. Allele origin: germline. Affected: yes. Observed: 1 variant allele.
Comment: IFT140: BP4, BP7

Labcorp Genetics (formerly Invitae), Labcorp
Classification: Likely benign for Saldino-Mainzer syndrome. Last evaluated: 2025-08-19. Review status: criteria provided, single submitter. Criteria: Invitae Variant Classification Sherloc (09022015). Collection method: clinical testing. Allele origin: germline.

NM_014714.4(IFT140):c.1488G>A (p.Thr496=)

Genes: IFT140 (intraflagellar transport 140; minus strand), LOC105371046 (uncharacterized LOC105371046; plus strand). Cytogenetic location: 16p13.3.
Variant type: single nucleotide variant.
Coding change: c.1488G>A on transcript NM_014714.4 (MANE Select); coding-DNA position 1488, G replaced by A.
Protein change: p.Thr496=; no amino-acid change (threonine 496 retained).
Molecular consequence: synonymous variant.
Genome position (GRCh38, 1-based): chr16:1,580,795, C>T on the plus strand (G>A on the coding strand, the complement: IFT140 is on the minus strand). VCF-style: chr16-1580795-C-T. GRCh37 (hg19) VCF-style: chr16-1630796-C-T.
Identifiers: ClinVar variation 3704942 (VCV003704942.6).
Genomic context (GRCh38, chr16:1,580,795, plus strand): 5'-TCTTGCAGTGGAGCAGCAACTTACCTGCCAGGTTCGAACTTGAACTCGGTTTGACTCCAC[C>T]GTGTAAACGTTTTCTTCATGCATTGCTAACACAGGCGTCTCACACAAGAAGGTCCCTAAA-3'
Protein context (NP_055529.2, residues 486-506): VLAMHEENVY[Thr496=]VESNRVQVRT